The following is an entry in ClinVar:

ClinVar aggregate classification (germline): Uncertain significance (1 of 4 stars; one submission).

Submission:

Labcorp Genetics (formerly Invitae), Labcorp
Classification: Uncertain significance. Last evaluated: 2022-08-22. Review status: criteria provided, single submitter. Criteria: Invitae Variant Classification Sherloc (09022015). Collection method: clinical testing. Allele origin: germline.
Comment: In summary, the available evidence is currently insufficient to determine the role of this variant in disease. Therefore, it has been classified as a Variant of Uncertain Significance. Algorithms developed to predict the effect of missense changes on protein structure and function (SIFT, PolyPhen-2, Align-GVGD) all suggest that this variant is likely to be disruptive. ClinVar contains an entry for this variant (Variation ID: 1477273). This variant has not been reported in the literature in individuals affected with TUBGCP4-related conditions. This variant is not present in population databases (gnomAD no frequency). This sequence change replaces aspartic acid, which is acidic and polar, with alanine, which is neutral and non-polar, at codon 650 of the TUBGCP4 protein (p.Asp650Ala).

NM_014444.5(TUBGCP4):c.1946A>C (p.Asp649Ala)

Genes: TP53BP1 (tumor protein p53 binding protein 1; minus strand), TUBGCP4 (tubulin gamma complex component 4; plus strand). Cytogenetic location: 15q15.3.
Variant type: single nucleotide variant.
Coding change: c.1946A>C on transcript NM_014444.5 (MANE Select); coding-DNA position 1946, A replaced by C.
Protein change: p.Asp649Ala; replaces aspartic acid 649 with alanine.
Molecular consequence: missense variant. On other transcripts: 3 prime UTR variant (5).
Genome position (GRCh38, 1-based): chr15:43,404,510, A>C. VCF-style: chr15-43404510-A-C. GRCh37 (hg19) VCF-style: chr15-43696708-A-C.
Other names: c.1949A>C, p.Asp650Ala (NM_001286414.3); c.*2873T>G (NM_001141979.3, NM_001141980.3, NM_001355001.2 and 2 more transcripts); short protein forms D649A, D650A.
Identifiers: ClinVar variation 1477273 (VCV001477273.6), dbSNP rs2142901944, ClinGen allele CA392141216.